The following is an entry in ClinVar:

NM_198525.3(KIF7):c.2039-11G>T

Gene: KIF7 (kinesin family member 7; minus strand). Cytogenetic location: 15q26.1.
Variant type: single nucleotide variant.
Coding change: c.2039-11G>T on transcript NM_198525.3 (MANE Select); 11 bases into the intron before coding-DNA position 2039, G replaced by T.
Molecular consequence: intron variant.
Genome position (GRCh38, 1-based): chr15:89,645,176, C>A on the plus strand (G>T on the coding strand, the complement: KIF7 is on the minus strand). VCF-style: chr15-89645176-C-A. GRCh37 (hg19) VCF-style: chr15-90188407-C-A.
Identifiers: ClinVar variation 2152793 (VCV002152793.4), dbSNP rs550018289, ClinGen allele CA7728351.

ClinVar aggregate classification (germline): Uncertain significance (1 of 4 stars; one submission).

Conditions:
Acrocallosal syndrome (ACLS). Also called: Schinzel syndrome 1; Absence of corpus callosum with unusual facial appearance, mental deficiency, duplication of the halluces and polydactyly; HALLUX DUPLICATION, POSTAXIAL POLYDACTYLY, AND ABSENCE OF CORPUS CALLOSUM. Identifiers: Orphanet 36, MedGen C0796147, MONDO:0008708, OMIM 200990.

Allele frequency attached by ClinVar (database versions not stated): TOPMed 0.00001; ExAC 0.00001.
gnomAD v4.1: 20 of 1,604,676 alleles (0.0012%); highest among the groups gnomAD compares: South Asian, 0.0022%; no homozygotes.

Submission:

Labcorp Genetics (formerly Invitae), Labcorp
Classification: Uncertain significance for Acrocallosal syndrome. Last evaluated: 2023-10-03. Review status: criteria provided, single submitter. Criteria: Invitae Variant Classification Sherloc (09022015). Collection method: clinical testing. Allele origin: germline.
Comment: This sequence change falls in intron 9 of the KIF7 gene. It does not directly change the encoded amino acid sequence of the KIF7 protein. The frequency data for this variant in the population databases is considered unreliable, as metrics indicate poor data quality at this position in the gnomAD database. This variant has not been reported in the literature in individuals affected with KIF7-related conditions. ClinVar contains an entry for this variant (Variation ID: 2152793). Algorithms developed to predict the effect of sequence changes on RNA splicing suggest that this variant may disrupt the consensus splice site. In summary, the available evidence is currently insufficient to determine the role of this variant in disease. Therefore, it has been classified as a Variant of Uncertain Significance.